The following is an entry in ClinVar:

ClinVar aggregate classification (germline): Likely benign. Review status: criteria provided, multiple submitters, no conflicts (2 of 4 stars). 4 submissions from 4 submitters: Likely benign (4). Last evaluated 2025-11-28.

Conditions:
Cardiovascular phenotype. Identifiers: MedGen CN230736.
Catecholaminergic polymorphic ventricular tachycardia (CVPT). Also called: Catecholamine-induced polymorphic ventricular tachycardia. Identifiers: Orphanet 3286, MedGen C5574922, MONDO:0017990.
Cardiomyopathy (CMYO). Also called: Cardiomyopathies. Identifiers: Orphanet 167848, MedGen C0878544, MONDO:0004994, HP:0001638. Inheritance: Various modes of inheritance.
Catecholaminergic polymorphic ventricular tachycardia 1. Also called: VENTRICULAR TACHYCARDIA, STRESS-INDUCED POLYMORPHIC 1; RYR2-Related Catecholaminergic Polymorphic Ventricular Tachycardia; VENTRICULAR TACHYCARDIA, CATECHOLAMINERGIC POLYMORPHIC, 1, WITH OR WITHOUT ATRIAL DYSFUNCTION AND/OR DILATED CARDIOMYOPATHY. Identifiers: Orphanet 3286, MedGen C1631597, MONDO:0011484, OMIM 604772.

Allele frequency attached by ClinVar (database versions not stated): gnomAD exomes below 0.00001 and 0.00001; TOPMed below 0.00001; gnomAD 0.00001.
gnomAD v4.1: 12 of 1,613,486 alleles (0.00074%); highest among the groups gnomAD compares: Non-Finnish European, 0.00093%; no homozygotes.

Submissions (4):

Labcorp Genetics (formerly Invitae), Labcorp
Classification: Likely benign for Catecholaminergic polymorphic ventricular tachycardia 1. Last evaluated: 2025-11-28. Review status: criteria provided, single submitter. Criteria: Invitae Variant Classification Sherloc (09022015). Collection method: clinical testing. Allele origin: germline.

All of Us Research Program, National Institutes of Health
Classification: Likely benign for Catecholaminergic polymorphic ventricular tachycardia. Last evaluated: 2023-04-03. Review status: criteria provided, single submitter. Criteria: ACMG Guidelines, 2015. Collection method: clinical testing. Allele origin: germline. Inheritance: Autosomal dominant inheritance. Observed: 1 variant allele, 1 heterozygote.
Comment: This study involves interpretation of variants in research participants for the purpose of population health screening. Participant phenotype was not available at the time of variant classification. Additional details can be found in publication PMID: 35346344, PMCID: PMC8962531

Ambry Genetics
Classification: Likely benign for Cardiovascular phenotype. Last evaluated: 2020-11-23. Review status: criteria provided, single submitter. Criteria: Ambry Variant Classification Scheme 2023. Collection method: clinical testing. Allele origin: germline.

Color Diagnostics, LLC DBA Color Health
Classification: Likely benign for Cardiomyopathy. Last evaluated: 2020-01-07. Review status: criteria provided, single submitter. Criteria: ACMG Guidelines, 2015. Collection method: clinical testing. Allele origin: germline.

NM_001035.3(RYR2):c.14409T>C (p.Asp4803=)

Gene: RYR2 (ryanodine receptor 2; plus strand). Cytogenetic location: 1q43.
Variant type: single nucleotide variant.
Coding change: c.14409T>C on transcript NM_001035.3 (MANE Select); coding-DNA position 14409, T replaced by C.
Protein change: p.Asp4803=; no amino-acid change (aspartic acid 4803 retained).
Molecular consequence: synonymous variant.
Genome position (GRCh38, 1-based): chr1:237,809,011, T>C. VCF-style: chr1-237809011-T-C. GRCh37 (hg19) VCF-style: chr1-237972311-T-C.
Other names: c.14409T>C, p.Asp4803= (LRG_402t1).
Identifiers: ClinVar variation 412830 (VCV000412830.17), dbSNP rs878891404, ClinGen allele CA16610021.